The following is an entry in ClinVar:

NM_001111125.3(IQSEC2):c.1579C>T (p.Gln527Ter)

Gene: IQSEC2 (IQ motif and Sec7 domain ArfGEF 2; minus strand). Cytogenetic location: Xp11.22.
Variant type: single nucleotide variant.
Coding change: c.1579C>T on transcript NM_001111125.3 (MANE Select); coding-DNA position 1579, C replaced by T.
Protein change: p.Gln527Ter; replaces glutamine 527 with a stop codon.
Molecular consequence: nonsense.
Genome position (GRCh38, 1-based): chrX:53,250,997, G>A on the plus strand (C>T on the coding strand, the complement: IQSEC2 is on the minus strand). VCF-style: chrX-53250997-G-A. GRCh37 (hg19) VCF-style: chrX-53280179-G-A.
Other names: c.964C>T, p.Gln322Ter (NM_015075.2); short protein forms Q527*, Q322*.
Identifiers: ClinVar variation 574377 (VCV000574377.9), dbSNP rs1569302816, ClinGen allele CA413165330.

ClinVar aggregate classification (germline): Pathogenic (1 of 4 stars; one submission).

Conditions:
Intellectual developmental disorder, X-linked 1. Also called: MENTAL RETARDATION, X-LINKED 18; MENTAL RETARDATION, X-LINKED 78; Intellectual disability, X-linked 1; Atkin Flaitz Patil Smith syndrome. Identifiers: Orphanet 777, MedGen C2931498, MONDO:0010656, OMIM 309530.

Submission:

Labcorp Genetics (formerly Invitae), Labcorp
Classification: Pathogenic for Intellectual developmental disorder, X-linked 1. Last evaluated: 2023-10-22. Review status: criteria provided, single submitter. Criteria: Invitae Variant Classification Sherloc (09022015). Collection method: clinical testing. Allele origin: germline.
Comment: This sequence change creates a premature translational stop signal (p.Gln527*) in the IQSEC2 gene. It is expected to result in an absent or disrupted protein product. Loss-of-function variants in IQSEC2 are known to be pathogenic (PMID: 21686261, 26793055, 27665735). This variant is not present in population databases (gnomAD no frequency). This variant has not been reported in the literature in individuals affected with IQSEC2-related conditions. ClinVar contains an entry for this variant (Variation ID: 574377). For these reasons, this variant has been classified as Pathogenic.

Literature cited by the submitters: PubMed 21686261; PubMed 26793055; PubMed 27665735.